The following is an entry in ClinVar:

ClinVar aggregate classification (germline): Uncertain significance (1 of 4 stars; one submission).

Conditions:
Autosomal recessive juvenile Parkinson disease 2. Also called: Parkinson disease autosomal recessive, early onset; Juvenile parkinsonism; Parkinsonism, early onset, with diurnal fluctuation; PRKN-Related Early-Onset Parkinson Disease; PARKINSON DISEASE, JUVENILE, AUTOSOMAL RECESSIVE; Parkinson disease, juvenile, type 2. Identifiers: Orphanet 2828, MedGen C1868675, MONDO:0010820, OMIM 600116.

Submission:

Labcorp Genetics (formerly Invitae), Labcorp
Classification: Uncertain significance for Autosomal recessive juvenile Parkinson disease 2. Last evaluated: 2016-12-08. Review status: criteria provided, single submitter. Criteria: Invitae Variant Classification Sherloc (09022015). Collection method: clinical testing. Allele origin: germline.
Comment: This variant is a gross duplication of the genomic region encompassing exon 4 of the PARK2 gene. While the exact position of the duplicated exon cannot be determined from this data, the duplicated copy of this region is likely in tandem and may result in an absent or disrupted protein product. Loss-of-function variants in PARK2 are known to be pathogenic. This particular variant has been reported in the literature in the heterozygous state in 2 individuals affected with early onset parkinsonism; however, one of the individuals also carries homozygous pathogenic alleles (c.1072delT) in PARK2, which suggest the duplication may not be the cause of disease (PMID: 11487568). In summary, sub-genic duplications are generally in tandem (PMID: 25640679), and result in an absent or disrupted protein. However, the available evidence is currently insufficient to conclusively establish the impact of this duplicarion. Therefore, it has been classified as a Variant of Uncertain Significance.

NC_000006.11:g.(?_162622163)_(162622284_?)dup

Genes: PRKN (parkin RBR E3 ubiquitin protein ligase; minus strand), LOC126859871 (MED14-independent group 3 enhancer GRCh37_chr6:162621359-162622558; plus strand). Cytogenetic location: 6q26.
Variant type: Duplication.
Identifiers: ClinVar variation 417461 (VCV000417461.1).